The following is an entry in ClinVar:

ClinVar aggregate classification (germline): Uncertain significance. Review status: criteria provided, multiple submitters, no conflicts (2 of 4 stars). 7 submissions from 6 submitters: Uncertain significance (6). 1 of the submissions does not count toward it. Last evaluated 2024-10-03.

Conditions:
Asphyxiating thoracic dystrophy 5 (SRTD5). Also called: SHORT-RIB THORACIC DYSPLASIA 5 WITH OR WITHOUT POLYDACTYLY; SHORT-RIB THORACIC DYSPLASIA 5 WITHOUT POLYDACTYLY. Identifiers: Orphanet 474, MedGen C3280598, MONDO:0013717, OMIM 614376.
Senior-Loken syndrome 8 (SLSN8). Identifiers: Orphanet 3156, MedGen C4225376, MONDO:0014579, OMIM 616307.
Inborn genetic diseases. Identifiers: MedGen C0950123, MeSH D030342.
Retinal dystrophy. Also called: Inherited retinal dystrophy. Identifiers: Orphanet 71862, MedGen C0854723, MeSH D058499, MONDO:0019118, HP:0000556.
Spermatogenic failure 72 (SPGF72). Identifiers: MedGen C5676980, MONDO:0030809, OMIM 619867.
Nephronophthisis 13 (NPHP13). Identifiers: Orphanet 655, MedGen C3280612, MONDO:0013718, OMIM 614377.
Cranioectodermal dysplasia 4 (CED4). Identifiers: Orphanet 1515, MedGen C3280616, MONDO:0013719, OMIM 614378.

Allele frequency attached by ClinVar (database versions not stated): ExAC 0.00002; gnomAD exomes 0.00003 and 0.00004; TOPMed 0.00005; gnomAD 0.00008.
gnomAD v4.1: 55 of 1,613,688 alleles (0.0034%); highest among the groups gnomAD compares: Middle Eastern, 0.033%; no homozygotes.

Submissions (7):

Blueprint Genetics
Classification: Uncertain significance. Last evaluated: 2024-10-03. Review status: criteria provided, single submitter. Criteria: ACMG Guidelines, 2015. Collection method: clinical testing. Allele origin: germline.

Labcorp Genetics (formerly Invitae), Labcorp
Classification: Uncertain significance for Senior-Loken syndrome 8; Asphyxiating thoracic dystrophy 5. Last evaluated: 2022-08-16. Review status: criteria provided, single submitter. Criteria: Invitae Variant Classification Sherloc (09022015). Collection method: clinical testing. Allele origin: germline.
Comment: This sequence change replaces glutamic acid, which is acidic and polar, with lysine, which is basic and polar, at codon 1146 of the WDR19 protein (p.Glu1146Lys). This variant is present in population databases (rs779635441, gnomAD 0.01%). This variant has not been reported in the literature in individuals affected with WDR19-related conditions. ClinVar contains an entry for this variant (Variation ID: 900965). Algorithms developed to predict the effect of missense changes on protein structure and function are either unavailable or do not agree on the potential impact of this missense change (SIFT: "Deleterious"; PolyPhen-2: "Probably Damaging"; Align-GVGD: "Class C0"). In summary, the available evidence is currently insufficient to determine the role of this variant in disease. Therefore, it has been classified as a Variant of Uncertain Significance.

Fulgent Genetics
Classification: Uncertain significance for Asphyxiating thoracic dystrophy 5; Nephronophthisis 13; Cranioectodermal dysplasia 4; Senior-Loken syndrome 8; Spermatogenic failure 72. Last evaluated: 2022-02-18. Review status: criteria provided, single submitter. Criteria: ACMG Guidelines, 2015. Collection method: clinical testing. Allele origin: unknown.

Ambry Genetics
Classification: Uncertain significance for Inborn genetic diseases. Last evaluated: 2021-08-02. Review status: criteria provided, single submitter. Criteria: Ambry Variant Classification Scheme 2023. Collection method: clinical testing. Allele origin: germline.

Illumina Laboratory Services, Illumina
Classification: Uncertain significance for Asphyxiating thoracic dystrophy 5. Last evaluated: 2017-04-27. Review status: criteria provided, single submitter. Criteria: ICSL Variant Classification Criteria 13 December 2019. Collection method: clinical testing. Allele origin: germline.

Illumina Laboratory Services, Illumina
Classification: Uncertain significance for Cranioectodermal dysplasia 4. Last evaluated: 2017-04-27. Review status: criteria provided, single submitter. Criteria: ICSL Variant Classification Criteria 13 December 2019. Collection method: clinical testing. Allele origin: germline.

Institute of Human Genetics, Univ. Regensburg, Univ. Regensburg
Classification: Uncertain significance for Retinal dystrophy. Last evaluated: 2022-01-01. Review status: no assertion criteria provided. Criteria: ACMG Guidelines, 2015. Collection method: clinical testing. Allele origin: germline. Affected: yes. Not counted in ClinVar's aggregate classification.

NM_025132.4(WDR19):c.3436G>A (p.Glu1146Lys)

Gene: WDR19 (WD repeat domain 19; plus strand). Cytogenetic location: 4p14.
Variant type: single nucleotide variant.
Coding change: c.3436G>A on transcript NM_025132.4 (MANE Select); coding-DNA position 3436, G replaced by A.
Protein change: p.Glu1146Lys; replaces glutamic acid 1146 with lysine.
Molecular consequence: missense variant.
Genome position (GRCh38, 1-based): chr4:39,270,053, G>A. VCF-style: chr4-39270053-G-A. GRCh37 (hg19) VCF-style: chr4-39271673-G-A.
Other names: c.2956G>A, p.Glu986Lys (NM_001317924.2); short protein forms E1146K, E986K.
Identifiers: ClinVar variation 900965 (VCV000900965.9), dbSNP rs779635441, ClinGen allele CA2892373.